The following is an entry in ClinVar:

NM_206933.4(USH2A):c.9625G>T (p.Glu3209Ter)

Gene: USH2A (usherin; minus strand). Cytogenetic location: 1q41.
Variant type: single nucleotide variant.
Coding change: c.9625G>T on transcript NM_206933.4 (MANE Select); coding-DNA position 9625, G replaced by T.
Protein change: p.Glu3209Ter; replaces glutamic acid 3209 with a stop codon.
Molecular consequence: nonsense.
Genome position (GRCh38, 1-based): chr1:215,813,850, C>A on the plus strand (G>T on the coding strand, the complement: USH2A is on the minus strand). VCF-style: chr1-215813850-C-A. GRCh37 (hg19) VCF-style: chr1-215987192-C-A.
Other names: short protein forms E3209*.
Identifiers: ClinVar variation 2076604 (VCV002076604.5), dbSNP rs1662775446, ClinGen allele CA344822029.
Genomic context (GRCh38, chr1:215,813,850, plus strand): 5'-CCTGTATTCGGCCACCACAACAAACTCCAGTAGAATTCAGAACAAACGGGATATACTTTT[C>A]TTCACAACAGCGATGTCCAGGCTTGGGGTTATAGAGCACTCCGTTACAACAAACCTGAAA-3'

ClinVar aggregate classification (germline): Pathogenic/Likely pathogenic. Review status: criteria provided, multiple submitters, no conflicts (2 of 4 stars). 2 submissions from 2 submitters: Pathogenic (1); Likely pathogenic (1). Last evaluated 2023-07-06.

Conditions:
Retinitis pigmentosa 39 (RP39). Identifiers: Orphanet 791, MedGen C3151138, MONDO:0013436, OMIM 613809.

Submissions (2):

Baylor Genetics
Classification: Likely pathogenic for Retinitis pigmentosa 39. Last evaluated: 2023-07-06. Review status: criteria provided, single submitter. Criteria: ACMG Guidelines, 2015. Collection method: clinical testing. Allele origin: unknown.

Labcorp Genetics (formerly Invitae), Labcorp
Classification: Pathogenic. Last evaluated: 2022-03-17. Review status: criteria provided, single submitter. Criteria: Invitae Variant Classification Sherloc (09022015). Collection method: clinical testing. Allele origin: germline.
Comment: For these reasons, this variant has been classified as Pathogenic. This variant has not been reported in the literature in individuals affected with USH2A-related conditions. This variant is not present in population databases (gnomAD no frequency). This sequence change creates a premature translational stop signal (p.Glu3209*) in the USH2A gene. It is expected to result in an absent or disrupted protein product. Loss-of-function variants in USH2A are known to be pathogenic (PMID: 10729113, 10909849, 20507924, 25649381).

Literature cited by the submitters: PubMed 10729113 (cited by Labcorp Genetics (formerly Invitae), Labcorp); PubMed 10909849 (cited by Labcorp Genetics (formerly Invitae), Labcorp); PubMed 20507924 (cited by Labcorp Genetics (formerly Invitae), Labcorp); PubMed 25649381 (cited by Labcorp Genetics (formerly Invitae), Labcorp).